The following is an entry in ClinVar:

ClinVar aggregate classification (germline): Likely pathogenic (1 of 4 stars; one submission).

Conditions:
Inborn genetic diseases. Identifiers: MedGen C0950123, MeSH D030342.

Submission:

Ambry Genetics
Classification: Likely pathogenic for Inborn genetic diseases. Last evaluated: 2020-07-06. Review status: criteria provided, single submitter. Criteria: Ambry Variant Classification Scheme 2023. Collection method: clinical testing. Allele origin: germline.
Comment: The alteration results in a premature stop codon: _x000D_ _x000D_ The c.1839delC (p.F613Lfs*56) alteration, located in coding exon 16 of the DDX3X gene, results from a deletion of one nucleotide at position 1839, causing a translational frameshift with a predicted alternate stop codon after 56 amino acids. Frameshifts are typically deleterious in nature; however, this frameshift occurs at the 3' terminus of DDX3X, is not expected to trigger nonsense-mediated mRNA decay, and a truncated mutant protein could still be expressed (Maquat, 2004). This alteration impacts the last 50 amino acids of the protein and the exact functional impact of these altered amino acids is unknown at this time. The alteration is not observed in population databases:_x000D_ _x000D_ Based on data from the Genome Aggregation Database (gnomAD), the DDX3X c.1839delC alteration was not observed, with coverage at this position. Based on the available evidence, this alteration is classified as likely pathogenic.

NM_001356.5(DDX3X):c.1839del (p.Phe613fs)

Gene: DDX3X (DEAD-box helicase 3 X-linked; plus strand). Cytogenetic location: Xp11.4.
Variant type: Deletion.
Coding change: c.1839del on transcript NM_001356.5 (MANE Select); coding-DNA position 1839, one base deleted (C; older notation c.1839delC).
Protein change: p.Phe613fs; shifts the reading frame from phenylalanine 613.
Molecular consequence: frameshift variant. On other transcripts: non-coding transcript variant (1).
Genome position (GRCh38, 1-based): chrX:41,347,381, C deleted. VCF-style (leftmost placement, unchanged base first): chrX-41347380-TC-T. GRCh37 (hg19) VCF-style: chrX-41206633-TC-T.
Other names: c.1836del, p.Phe612fs (NM_001193416.3); c.1791del, p.Phe597fs (NM_001193417.3); c.1278del, p.Phe426fs (NM_001363819.1); short protein forms F426fs, F597fs, F612fs, F613fs.
Identifiers: ClinVar variation 986113 (VCV000986113.4), dbSNP rs2063940433, ClinGen allele CA1139667467.